The following is an entry in ClinVar:

NM_004523.4(KIF11):c.2312_2313del (p.Lys771fs)

Gene: KIF11 (kinesin family member 11; plus strand). Cytogenetic location: 10q23.33.
Variant type: Deletion.
Coding change: c.2312_2313del on transcript NM_004523.4 (MANE Select); coding-DNA positions 2312 to 2313, 2 bases deleted (AA; older notation c.2312_2313delAA).
Protein change: p.Lys771fs; shifts the reading frame from lysine 771.
Molecular consequence: frameshift variant.
Genome position (GRCh38, 1-based): chr10:92,645,407-92,645,408, AA deleted; deleting any 2 consecutive bases within chr10:92,645,404-92,645,408 gives the same sequence; the c. name uses the placement nearest the transcript's 3' end. VCF-style (leftmost placement, unchanged base first): chr10-92645403-CAA-C. GRCh37 (hg19) VCF-style: chr10-94405160-CAA-C.
Other names: short protein forms K771fs.
Identifiers: ClinVar variation 931459 (VCV000931459.4), dbSNP rs1844907904, ClinGen allele CA1139661627.
Genomic context (GRCh38, chr10:92,645,403, plus strand): 5'-GTCATTCTCTTTTCCTATAGGAAATCTAAGGATATAGTCAACAAAATGACTTTTCACAGT[CAA>C]AAATTTTGTGCTGATTCTGATGGCTTCTCACAGGAACTCAGAAATTTTAACCAAGAAGGT-3'

ClinVar aggregate classification (germline): Pathogenic/Likely pathogenic. Review status: criteria provided, multiple submitters, no conflicts (2 of 4 stars). 2 submissions from 2 submitters: Pathogenic (1); Likely pathogenic (1). Last evaluated 2023-12-29.

Conditions:
Microcephaly with or without chorioretinopathy, lymphedema, or impaired intellectual development. Also called: MICROCEPHALY AND CHORIORETINOPATHY WITH OR WITHOUT MENTAL RETARDATION, AUTOSOMAL DOMINANT; MICROCEPHALY, LYMPHEDEMA, CHORIORETINAL DYSPLASIA SYNDROME; Microcephaly lymphedema chorioretinal dysplasia; Microcephaly with or without chorioretinopathy, lymphedema, or mental retardation; Microcephaly with or without chorioretinopathy, lymphedema, or intellectual disability. Identifiers: Orphanet 2526, MedGen C1835265, MONDO:0007918, OMIM 152950.

Submissions (2):

3billion
Classification: Pathogenic for Microcephaly with or without chorioretinopathy, lymphedema, or impaired intellectual development. Last evaluated: 2023-12-29. Review status: criteria provided, single submitter. Criteria: ACMG Guidelines, 2015. Collection method: clinical testing. Allele origin: germline. Affected: yes.
Comment: The variant is not observed in the gnomAD v2.1.1 dataset. Predicted Consequence/Location: Frameshift: predicted to result in a loss or disruption of normal protein function through nonsense-mediated decay (NMD) or protein truncation. Multiple pathogenic variants are reported downstream of the variant. The variant has been reported to be associated with KIF11-related disorder (ClinVar ID: VCV000931459 /PMID: 35456519). Therefore, this variant is classified as Pathogenic according to the recommendation of ACMG/AMP guideline.

Centre for Mendelian Genomics, University Medical Centre Ljubljana
Classification: Likely pathogenic for Microcephaly with or without chorioretinopathy, lymphedema, or impaired intellectual development. Last evaluated: 2019-02-21. Review status: criteria provided, single submitter. Criteria: ACMG Guidelines, 2015. Collection method: clinical testing. Allele origin: unknown. Affected: yes.
Comment: This variant was classified as: Likely pathogenic. The following ACMG criteria were applied in classifying this variant: PVS1,PM2.

Literature cited by the submitters: PubMed 35456519 (cited by 3billion).